The following is an entry in ClinVar:

NM_006270.5(RRAS):c.307G>A (p.Gly103Ser)

Gene: RRAS (RAS related; minus strand). Cytogenetic location: 19q13.33.
Variant type: single nucleotide variant.
Coding change: c.307G>A on transcript NM_006270.5 (MANE Select); coding-DNA position 307, G replaced by A.
Protein change: p.Gly103Ser; replaces glycine 103 with serine.
Molecular consequence: missense variant.
Genome position (GRCh38, 1-based): chr19:49,636,861, C>T on the plus strand (G>A on the coding strand, the complement: RRAS is on the minus strand). VCF-style: chr19-49636861-C-T. GRCh37 (hg19) VCF-style: chr19-50140118-C-T.
Other names: short protein forms G103S.
Identifiers: ClinVar variation 862707 (VCV000862707.9), dbSNP rs745911237, ClinGen allele CA9579076.

ClinVar aggregate classification (germline): Uncertain significance (1 of 4 stars; one submission).

Conditions:
Noonan syndrome (NS). Also called: Noonan's syndrome. Identifiers: Orphanet 648, MedGen C0028326, MeSH D009634, MONDO:0018997. Disease mechanism: gain of function.

Allele frequency attached by ClinVar (database versions not stated): gnomAD exomes below 0.00001 and 0.00001; ExAC 0.00001; TOPMed 0.00001; gnomAD 0.00003.
gnomAD v4.1: 17 of 1,613,308 alleles (0.0011%); highest among the groups gnomAD compares: Non-Finnish European, 0.0014%; no homozygotes.

Submission:

Labcorp Genetics (formerly Invitae), Labcorp
Classification: Uncertain significance for Noonan syndrome. Last evaluated: 2022-02-03. Review status: criteria provided, single submitter. Criteria: Invitae Variant Classification Sherloc (09022015). Collection method: clinical testing. Allele origin: germline.
Comment: ClinVar contains an entry for this variant (Variation ID: 862707). This variant has not been reported in the literature in individuals affected with RRAS-related conditions. This variant is present in population databases (rs745911237, gnomAD 0.002%). This sequence change replaces glycine, which is neutral and non-polar, with serine, which is neutral and polar, at codon 103 of the RRAS protein (p.Gly103Ser). In summary, the available evidence is currently insufficient to determine the role of this variant in disease. Therefore, it has been classified as a Variant of Uncertain Significance. Algorithms developed to predict the effect of sequence changes on RNA splicing suggest that this variant may create or strengthen a splice site. Algorithms developed to predict the effect of missense changes on protein structure and function (SIFT, PolyPhen-2, Align-GVGD) all suggest that this variant is likely to be disruptive.